The following is an entry in ClinVar:

ClinVar aggregate classification (germline): Uncertain significance. Review status: criteria provided, multiple submitters, no conflicts (2 of 4 stars). 2 submissions from 2 submitters: Uncertain significance (2). Last evaluated 2025-06-22.

Conditions:
Inborn genetic diseases. Identifiers: MedGen C0950123, MeSH D030342.

Allele frequency attached by ClinVar (database versions not stated): gnomAD 0.00001; ExAC 0.00002; gnomAD exomes 0.00002 and 0.00003; TOPMed 0.00002.
gnomAD v4.1: 13 of 1,602,062 alleles (0.00081%); highest among the groups gnomAD compares: Admixed American, 0.022%; no homozygotes.

Submissions (2):

Ambry Genetics
Classification: Uncertain significance for Inborn genetic diseases. Last evaluated: 2025-06-22. Review status: criteria provided, single submitter. Criteria: Ambry Variant Classification Scheme 2023. Collection method: clinical testing. Allele origin: germline.

Labcorp Genetics (formerly Invitae), Labcorp
Classification: Uncertain significance. Last evaluated: 2022-07-01. Review status: criteria provided, single submitter. Criteria: Invitae Variant Classification Sherloc (09022015). Collection method: clinical testing. Allele origin: germline.
Comment: In summary, the available evidence is currently insufficient to determine the role of this variant in disease. Therefore, it has been classified as a Variant of Uncertain Significance. Algorithms developed to predict the effect of missense changes on protein structure and function output the following: SIFT: "Tolerated"; PolyPhen-2: "Benign"; Align-GVGD: "Class C0". The alanine amino acid residue is found in multiple mammalian species, which suggests that this missense change does not adversely affect protein function. ClinVar contains an entry for this variant (Variation ID: 1477263). This variant has not been reported in the literature in individuals affected with FLAD1-related conditions. This variant is present in population databases (rs764079017, gnomAD 0.02%). This sequence change replaces threonine, which is neutral and polar, with alanine, which is neutral and non-polar, at codon 397 of the FLAD1 protein (p.Thr397Ala).

NM_025207.5(FLAD1):c.1189A>G (p.Thr397Ala)

Gene: FLAD1 (flavin adenine dinucleotide synthetase 1; plus strand). Cytogenetic location: 1q21.3.
Variant type: single nucleotide variant.
Coding change: c.1189A>G on transcript NM_025207.5 (MANE Select); coding-DNA position 1189, A replaced by G.
Protein change: p.Thr397Ala; replaces threonine 397 with alanine.
Molecular consequence: missense variant.
Genome position (GRCh38, 1-based): chr1:154,989,631, A>G. VCF-style: chr1-154989631-A-G. GRCh37 (hg19) VCF-style: chr1-154962107-A-G.
Other names: c.898A>G, p.Thr300Ala (NM_001184891.2, NM_201398.3); c.1189A>G (NM_025207.4); short protein forms T300A, T397A.
Identifiers: ClinVar variation 1477263 (VCV001477263.5), dbSNP rs764079017, ClinGen allele CA1134501.